The following is an entry in ClinVar:

NM_000090.4(COL3A1):c.80-21G>A

Gene: COL3A1 (collagen type III alpha 1 chain; plus strand). Cytogenetic location: 2q32.2.
Variant type: single nucleotide variant.
Coding change: c.80-21G>A on transcript NM_000090.4 (MANE Select); 21 bases into the intron before coding-DNA position 80, G replaced by A.
Molecular consequence: intron variant.
Genome position (GRCh38, 1-based): chr2:188,984,739, G>A. VCF-style: chr2-188984739-G-A. GRCh37 (hg19) VCF-style: chr2-189849465-G-A.
Identifiers: ClinVar variation 676606 (VCV000676606.2), dbSNP rs28763874, ClinGen allele CA076953.

ClinVar aggregate classification (germline): Likely benign. Review status: criteria provided, multiple submitters, no conflicts (2 of 4 stars). 2 submissions from 2 submitters: Likely benign (2). Last evaluated 2018-06-14.

Allele frequency attached by ClinVar (database versions not stated): gnomAD exomes 0.00094 and 0.00232; ExAC 0.00300; gnomAD 0.00918 and 0.00954; 1000 Genomes Project 0.00998; 1000 Genomes Project 30x 0.01031; TOPMed 0.01034; ESP Exome Variant Server 0.01084.
gnomAD v4.1: 2,824 of 1,610,428 alleles (0.18%); highest among the groups gnomAD compares: African/African-American, 3.3%; 61 homozygotes.

Submissions (2):

GeneDx
Classification: Likely benign. Last evaluated: 2018-06-14. Review status: criteria provided, single submitter. Criteria: GeneDx Variant Classification (06012015). Collection method: clinical testing. Allele origin: germline. Affected: yes.
Comment: This variant is considered likely benign or benign based on one or more of the following criteria: it is a conservative change, it occurs at a poorly conserved position in the protein, it is predicted to be benign by multiple in silico algorithms, and/or has population frequency not consistent with disease.

Breakthrough Genomics
Classification: Likely benign. Review status: criteria provided, single submitter. Criteria: ACMG Guidelines, 2015. Collection method: not provided. Allele origin: germline. Inheritance: Autosomal recessive inheritance. Affected: yes.